The following is an entry in ClinVar:

ClinVar aggregate classification (germline): Uncertain significance (1 of 4 stars; one submission).

Conditions:
Inherited lipid metabolism disorder. Identifiers: Orphanet 309005, MedGen C0154251, MONDO:0002525.

gnomAD v4.1: 1 of 1,614,074 alleles (0.000062%); highest among the groups gnomAD compares: Non-Finnish European, 0.000085%; no homozygotes.

Submission:

Petrovsky National Research Centre of Surgery, The Federal Agency for Scientific Organizations
Classification: Uncertain significance for Inherited lipid metabolism disorder. Last evaluated: 2026-01-21. Review status: criteria provided, single submitter. Criteria: ACMG Guidelines, 2015. Collection method: research. Allele origin: unknown. Inheritance: Autosomal dominant inheritance. Affected: yes. Observed: 1 heterozygote.
Comment: Clinvar doesn’t contain an entry for this variant. This variant has not been reported in any study to our knowledge. Variant NM_013262.4:c.732A>C (p. Glu244Asp) is in The Genome Aggregation Database (gnomAD) with total MAF=6.196e-7 (Date of access 15-01-2026). Computational evidence suggests no impact on gene or gene product: REVEL score=0.058<0.4 (BP4).

NM_013262.4(MYLIP):c.732A>C (p.Glu244Asp)

Gene: MYLIP (myosin regulatory light chain interacting protein; plus strand). Cytogenetic location: 6p22.3.
Variant type: single nucleotide variant.
Coding change: c.732A>C on transcript NM_013262.4 (MANE Select); coding-DNA position 732, A replaced by C.
Protein change: p.Glu244Asp; replaces glutamic acid 244 with aspartic acid.
Molecular consequence: missense variant. On other transcripts: intron variant (1).
Genome position (GRCh38, 1-based): chr6:16,143,768, A>C. VCF-style: chr6-16143768-A-C. GRCh37 (hg19) VCF-style: chr6-16143999-A-C.
Other names: c.662+551A>C (NM_001436627.1); short protein forms E244D.
Identifiers: ClinVar variation 4686643 (VCV004686643.1).